The following is an entry in ClinVar:

ClinVar aggregate classification (germline): Uncertain significance. Review status: criteria provided, multiple submitters, no conflicts (2 of 4 stars). 2 submissions from 2 submitters: Uncertain significance (2). Last evaluated 2023-04-17.

Conditions:
Familial cancer of breast. Also called: BREAST CANCER, FAMILIAL; hereditary breast carcinoma; Hereditary breast cancer. Identifiers: Orphanet 227535, MedGen C0346153, MONDO:0016419, OMIM 114480. Disease mechanism: loss of function.

Allele frequency attached by ClinVar (database versions not stated): gnomAD exomes below 0.00001.

Submissions (2):

Labcorp Genetics (formerly Invitae), Labcorp
Classification: Uncertain significance for Familial cancer of breast. Last evaluated: 2023-04-17. Review status: criteria provided, single submitter. Criteria: Invitae Variant Classification Sherloc (09022015). Collection method: clinical testing. Allele origin: germline.
Comment: In summary, the available evidence is currently insufficient to determine the role of this variant in disease. Therefore, it has been classified as a Variant of Uncertain Significance. Algorithms developed to predict the effect of sequence changes on RNA splicing suggest that this variant may create or strengthen a splice site. An algorithm developed to predict the effect of missense changes on protein structure and function (PolyPhen-2) suggests that this variant is likely to be tolerated. ClinVar contains an entry for this variant (Variation ID: 661548). This variant has not been reported in the literature in individuals affected with CHEK2-related conditions. This variant is not present in population databases (gnomAD no frequency). This sequence change replaces glutamic acid, which is acidic and polar, with lysine, which is basic and polar, at codon 76 of the CHEK2 protein (p.Glu76Lys).

Quest Diagnostics Nichols Institute San Juan Capistrano
Classification: Uncertain significance. Last evaluated: 2023-03-31. Review status: criteria provided, single submitter. Criteria: Quest Diagnostics criteria. Collection method: clinical testing. Allele origin: unknown.
Comment: The variant has not been reported in the published literature. It also has not been reported in large, multi-ethnic general populations. Analysis of this variant using bioinformatics tools for the prediction of the effect of amino acid changes on protein structure and function yielded conflicting predictions that this variant is benign or damaging. Additional analysis using software algorithms for the prediction of the effect of nucleotide changes on CHEK2 mRNA splicing yielded predictions that this variant may result in the gain of a cryptic splice site without affecting the natural splice sites . Based on the available information, we are unable to determine the clinical significance of this variant.

NM_007194.4(CHEK2):c.226G>A (p.Glu76Lys)

Gene: CHEK2 (checkpoint kinase 2; minus strand). Cytogenetic location: 22q12.1.
Variant type: single nucleotide variant.
Coding change: c.226G>A on transcript NM_007194.4 (MANE Select); coding-DNA position 226, G replaced by A.
Protein change: p.Glu76Lys; replaces glutamic acid 76 with lysine.
Molecular consequence: missense variant.
Genome position (GRCh38, 1-based): chr22:28,734,496, C>T on the plus strand (G>A on the coding strand, the complement: CHEK2 is on the minus strand). VCF-style: chr22-28734496-C-T. GRCh37 (hg19) VCF-style: chr22-29130484-C-T.
Other names: c.226G>A, p.Glu76Lys (NM_001005735.3, NM_001349956.3, NM_145862.3); c.-552G>A (NM_001257387.3); short protein forms E76K.
Identifiers: ClinVar variation 661548 (VCV000661548.10), dbSNP rs1601852018, ClinGen allele CA411090699.